The following is an entry in ClinVar:

ClinVar aggregate classification (germline): Uncertain significance. Review status: criteria provided, multiple submitters, no conflicts (2 of 4 stars). 2 submissions from 2 submitters: Uncertain significance (2). Last evaluated 2026-02-24.

Conditions:
Inborn genetic diseases. Identifiers: MedGen C0950123, MeSH D030342.
Developmental and epileptic encephalopathy, 23 (DEE23). Also called: Epileptic encephalopathy, early infantile, 23. Identifiers: Orphanet 411986, MedGen C4014492, MONDO:0014371, OMIM 615859.

Allele frequency attached by ClinVar (database versions not stated): gnomAD exomes below 0.00001.
gnomAD v4.1: 1 of 1,590,492 alleles (0.000063%); highest among the groups gnomAD compares: South Asian, 0.0012%; no homozygotes.

Submissions (2):

Ambry Genetics
Classification: Uncertain significance for Inborn genetic diseases. Last evaluated: 2026-02-24. Review status: criteria provided, single submitter. Criteria: Ambry Variant Classification Scheme 2023. Collection method: clinical testing. Allele origin: germline.

Labcorp Genetics (formerly Invitae), Labcorp
Classification: Uncertain significance for Developmental and epileptic encephalopathy, 23. Last evaluated: 2021-09-01. Review status: criteria provided, single submitter. Criteria: Invitae Variant Classification Sherloc (09022015). Collection method: clinical testing. Allele origin: germline.
Comment: This sequence change replaces valine with alanine at codon 1648 of the DOCK7 protein (p.Val1648Ala). The valine residue is highly conserved and there is a small physicochemical difference between valine and alanine. This variant is not present in population databases (ExAC no frequency). This variant has not been reported in the literature in individuals affected with DOCK7-related conditions. Algorithms developed to predict the effect of missense changes on protein structure and function (SIFT, PolyPhen-2, Align-GVGD) all suggest that this variant is likely to be disruptive. In summary, the available evidence is currently insufficient to determine the role of this variant in disease. Therefore, it has been classified as a Variant of Uncertain Significance.

NM_001367561.1(DOCK7):c.4970T>C (p.Val1657Ala)

Gene: DOCK7 (dedicator of cytokinesis 7; minus strand). Cytogenetic location: 1p31.3.
Variant type: single nucleotide variant.
Coding change: c.4970T>C on transcript NM_001367561.1 (MANE Select); coding-DNA position 4970, T replaced by C.
Protein change: p.Val1657Ala; replaces valine 1657 with alanine.
Molecular consequence: missense variant.
Genome position (GRCh38, 1-based): chr1:62,495,635, A>G on the plus strand (T>C on the coding strand, the complement: DOCK7 is on the minus strand). VCF-style: chr1-62495635-A-G. GRCh37 (hg19) VCF-style: chr1-62961306-A-G.
Other names: c.4877T>C (NM_033407.2); c.4943T>C, p.Val1648Ala (NM_001271999.2, NM_001330614.2); c.4850T>C, p.Val1617Ala (NM_001272000.2, NM_001272001.2); c.4877T>C, p.Val1626Ala (NM_033407.4); short protein forms V1626A, V1648A, V1617A, V1657A.
Identifiers: ClinVar variation 475157 (VCV000475157.7), dbSNP rs1553155968, ClinGen allele CA340613283.